The following is an entry in ClinVar:

NM_000406.3(GNRHR):c.416G>A (p.Arg139His)

Gene: GNRHR (gonadotropin releasing hormone receptor; minus strand). Cytogenetic location: 4q13.2.
Variant type: single nucleotide variant.
Coding change: c.416G>A on transcript NM_000406.3 (MANE Select); coding-DNA position 416, G replaced by A.
Protein change: p.Arg139His; replaces arginine 139 with histidine.
Molecular consequence: missense variant.
Genome position (GRCh38, 1-based): chr4:67,753,920, C>T on the plus strand (G>A on the coding strand, the complement: GNRHR is on the minus strand). VCF-style: chr4-67753920-C-T. GRCh37 (hg19) VCF-style: chr4-68619638-C-T.
Other names: c.416G>A, p.Arg139His (NM_001012763.2); short protein forms R139H.
Identifiers: ClinVar variation 16030 (VCV000016030.63), dbSNP rs104893842, ClinGen allele CA249862.

ClinVar aggregate classification (germline): Pathogenic. Review status: criteria provided, multiple submitters, no conflicts (2 of 4 stars). 15 submissions from 15 submitters: Pathogenic (13). 2 of the submissions do not count toward it. Last evaluated 2025-11-20.

Conditions:
GNRHR-related disorders.
GNRHR-related disorder. Also called: GNRHR-related condition.
Hypogonadotropic hypogonadism. Also called: Hypogonadotropic hypogonadism with or without anosmia; Low gonadotropins (secondary hypogonadism); Hypogonadotrophic hypogonadism; Isolated hypogonadotropic hypogonadism. Identifiers: Orphanet 432, MedGen C0271623, MONDO:0018555, HP:0000044.
Hypogonadotropic hypogonadism 7 with or without anosmia (HH7). Also called: GNRHR-Related GnRH Deficiency; HYPOGONADOTROPIC HYPOGONADISM 7 WITHOUT ANOSMIA. Identifiers: Orphanet 432, MedGen C0342384, MONDO:0007794, OMIM 146110.

Allele frequency attached by ClinVar (database versions not stated): ExAC 0.00017; gnomAD 0.00021 and 0.00019; gnomAD exomes 0.00014; TOPMed 0.00014.
gnomAD v4.1: 238 of 1,613,080 alleles (0.015%); highest among the groups gnomAD compares: Admixed American, 0.018%; no homozygotes.

Submissions (15):

PreventionGenetics, part of Exact Sciences
Classification: Pathogenic for GNRHR-related condition. Last evaluated: 2025-11-20. Review status: criteria provided, single submitter. Criteria: ACMG Guidelines, 2015. Collection method: clinical testing. Allele origin: germline.
Comment: The GNRHR c.416G>A variant is predicted to result in the amino acid substitution p.Arg139His. This variant has been reported in the homozygous or compound heterozygous state in many unrelated patients with isolated gonadotropin-releasing hormone (GnRH) deficiency or hypogonadotropic hypogonadism (HH) (Costa et al. 2001. PubMed ID: 11397871; Wolczynski et al. 2003. PubMed ID: 12568864; Giannotti et al. 2012. PubMed ID: 22745237; Gurbuz et al. 2012. PubMed ID: 22766261; Laitinen et al. 2012. PubMed ID: 22724017; Choi et al. 2015. PubMed ID: 26207952). In vitro functional studies demonstrated the c.416G>A variant completely eliminated detectable GnRH- binding activity and prevented activation of intracellular transduction pathways (Costa et al. 2001. PubMed ID: 11397871; Leaños-Miranda et al. 2002. PubMed ID: 12364481). This variant is reported in 0.056% of alleles in individuals of European (Finnish) descent in gnomAD. This variant is interpreted as pathogenic.

Labcorp Genetics (formerly Invitae), Labcorp
Classification: Pathogenic. Last evaluated: 2025-11-06. Review status: criteria provided, single submitter. Criteria: Invitae Variant Classification Sherloc (09022015). Collection method: clinical testing. Allele origin: germline.
Comment: This sequence change replaces arginine, which is basic and polar, with histidine, which is basic and polar, at codon 139 of the GNRHR protein (p.Arg139His). This variant is present in population databases (rs104893842, gnomAD 0.05%). This missense change has been observed in individuals with hypogonadotropic hypogonadism (PMID: 11397871, 22724017, 25016926, 26207952, 27544332). It is commonly reported in individuals of Brazilian ancestry (PMID: 11397871, 22724017, 25016926, 26207952, 27544332). ClinVar contains an entry for this variant (Variation ID: 16030). Invitae Evidence Modeling of protein sequence and biophysical properties (such as structural, functional, and spatial information, amino acid conservation, physicochemical variation, residue mobility, and thermodynamic stability) indicates that this missense variant is expected to disrupt GNRHR protein function with a positive predictive value of 80%. Experimental studies have shown that this missense change affects GNRHR function (PMID: 11397871, 12364481). For these reasons, this variant has been classified as Pathogenic.

Dasa
Classification: Pathogenic. Last evaluated: 2025-08-12. Review status: criteria provided, single submitter. Criteria: DASA Assertion Criteria. Collection method: clinical testing. Allele origin: germline.
Comment: NM_000406.3(GNRHR):c.416G>A (p.Arg139His) is a missense variant that results in the substitution of arginine with histidine. This variant has been observed in affected individuals with related phenotype in a genotype context consistent with recessive disease (PMID: 11397871; PMID: 12364481; PMID: 22724017; PMID: 25016926; PMID: 26207952). Functional evidence supports a deleterious effect on the gene or gene product (PMID: 11397871; PMID: 12364481; PMID: 22724017; PMID: 25016926; PMID: 26207952). This variant has been recurrently observed in individuals with related phenotype (PMID: 11397871; PMID: 12364481; PMID: 22724017; PMID: 25016926; PMID: 26207952). Segregation evidence has been reported in affected families. Multiple computational predictions support a deleterious effect on the gene or gene product. The variant is present at low frequency in population datasets. Based on the available data, this variant is classified as pathogenic.

Institute of Medical Genetics and Applied Genomics, University Hospital Tübingen
Classification: Pathogenic for Hypogonadotropic hypogonadism 7 with or without anosmia. Last evaluated: 2025-06-04. Review status: criteria provided, single submitter. Criteria: ACMG Guidelines, 2015. Collection method: clinical testing. Allele origin: germline. Inheritance: Autosomal recessive inheritance. Affected: yes.

NHS Central & South Genomic Laboratory Hub
Classification: Pathogenic for Hypogonadotropic hypogonadism. Last evaluated: 2025-04-09. Review status: criteria provided, single submitter. Criteria: ACMG Guidelines, 2015. Collection method: clinical testing. Allele origin: germline. Affected: yes.

Laboratory of Genetics, Children's Clinical University Hospital Latvia
Classification: Pathogenic. Last evaluated: 2025-02-16. Review status: criteria provided, single submitter. Criteria: ACMG Guidelines, 2015. Collection method: clinical testing. Allele origin: germline. Affected: yes.

Blueprint Genetics
Classification: Pathogenic for GNRHR-related disorders. Last evaluated: 2024-10-28. Review status: criteria provided, single submitter. Criteria: ACMG Guidelines, 2015. Collection method: clinical testing. Allele origin: germline. Affected: yes. Observed: 5 variant alleles.

Fulgent Genetics
Classification: Pathogenic for Hypogonadotropic hypogonadism 7 with or without anosmia. Last evaluated: 2024-05-25. Review status: criteria provided, single submitter. Criteria: ACMG Guidelines, 2015. Collection method: clinical testing. Allele origin: germline.

Neuberg Centre For Genomic Medicine, NCGM
Classification: Pathogenic for Hypogonadotropic hypogonadism 7 with or without anosmia. Last evaluated: 2023-03-01. Review status: criteria provided, single submitter. Criteria: ACMG Guidelines, 2015. Collection method: clinical testing. Allele origin: germline. Inheritance: Autosomal recessive inheritance. Affected: yes.

GeneDx
Classification: Pathogenic. Last evaluated: 2022-04-11. Review status: criteria provided, single submitter. Criteria: GeneDx Variant Classification Process June 2021. Collection method: clinical testing. Allele origin: germline. Affected: yes.
Comment: In silico analysis supports that this missense variant has a deleterious effect on protein structure/function; This variant is associated with the following publications: (PMID: 12364481, 11397871, 26207952, 22745237, 32763379, 31589614, 26044071, 12667096, 23155690, 21645587, 34426522, 20207726, 16213849, 24117998, 21736917, 22766261, 25016926, 20389088, 14689055, 22405597, 21717411, 31200363, 30476149, 32222824, 27544332, 34198905)

CeGaT Center for Human Genetics Tuebingen
Classification: Pathogenic. Last evaluated: 2021-08-01. Review status: criteria provided, single submitter. Criteria: CeGaT Center For Human Genetics Tuebingen Variant Classification Criteria Version 2. Collection method: clinical testing. Allele origin: germline. Affected: yes. Observed: 1 variant allele.

Centre for Mendelian Genomics, University Medical Centre Ljubljana
Classification: Pathogenic for Hypogonadotropic hypogonadism 7 with or without anosmia. Last evaluated: 2020-03-23. Review status: criteria provided, single submitter. Criteria: ACMG Guidelines, 2015. Collection method: clinical testing. Allele origin: unknown. Affected: yes.
Comment: This variant was classified as: Pathogenic. The following ACMG criteria were applied in classifying this variant: PS3,PS4_MOD,PM2,PM3,PP2,PP3,PP4.

Illumina Laboratory Services, Illumina
Classification: Pathogenic for Hypogonadotropic hypogonadism 7 with or without anosmia. Last evaluated: 2016-09-14. Review status: criteria provided, single submitter. Criteria: ICSL Variant Classification Criteria 09 May 2019. Collection method: clinical testing. Allele origin: germline.
Comment: The GNRHR c.416G>A (p.Arg139His) missense variant has been identified in a homozygous state in ten individuals and in a compound heterozygous state in at least 11 individuals with isolated gonadotropin-releasing hormone (GnRH) deficiency, and in a heterozygous state in five unaffected family members (Costa et al. 2001; Wolczynski et al. 2003; Laitinen et al. 2012; Gianetti et al. 2012; Hero et al. 2012; Gurbuz et al. 2012; Choi et al. 2015). The p.Arg139His variant was absent from 422 controls and is reported at a frequency of 0.00076 in the European (Finnish) population of the Exome Aggregation Consortium. Functional studies in COS-7 cells demonstrated normal localization of the mutant protein at the cell surface but complete elimination of GnRH-binding activity and activation of intracellular transduction pathways (Costa et al. 2001; Leanos-Miranda et al. 2002). Based on the evidence, the p.Arg139His variant is classified as pathogenic for isolated GnRH deficiency. This variant was observed by ICSL as part of a predisposition screen in an ostensibly healthy population.

Genetic Services Laboratory, University of Chicago
Classification: Pathogenic. Last evaluated: 2022-12-19. Review status: no assertion criteria provided. Collection method: clinical testing. Allele origin: germline. Affected: yes. Not counted in ClinVar's aggregate classification.
Comment: DNA sequence analysis of the GNRHR gene demonstrated a sequence change, c.416G>A , in exon 1 that results in an amino acid change, p.Arg139His. The p.Arg139His change affects a highly conserved amino acid residue located in a domain of the GNRHR protein that is known to be functional. The p.Arg139His substitution appears to be deleterious using several in-silico pathogenicity prediction tools (SIFT, PolyPhen2, Align GVGD, REVEL). This pathogenic sequence change has previously been described in individuals with hypogonadotropic hypogonadism and is commonly reported in individuals of Brazilian ancestry (PMID: 11397871, 22724017, 25016926, 26207952, 27544332). This sequence change has been described in the gnomAD database with a frequency of 0.055% in the European subpopulation (dbSNP rs104893842). These collective evidences indicate that this sequence change is pathogenic.

OMIM
Classification: Pathogenic for HYPOGONADOTROPIC HYPOGONADISM 7 WITHOUT ANOSMIA. Last evaluated: 2001-06-01. Review status: no assertion criteria provided. Collection method: literature only. Allele origin: germline. Not counted in ClinVar's aggregate classification.

Literature cited by the submitters: PubMed 11397871 (cited by 4 submitters); PubMed 22724017 (cited by 3 submitters); PubMed 25016926 (cited by Labcorp Genetics (formerly Invitae), Labcorp and Dasa); PubMed 26207952 (cited by 3 submitters); PubMed 27544332 (cited by Labcorp Genetics (formerly Invitae), Labcorp and Dasa); PubMed 12364481 (cited by 3 submitters); PubMed 22766261 (cited by Illumina Laboratory Services, Illumina); PubMed 12568864 (cited by Illumina Laboratory Services, Illumina); PubMed 22405597 (cited by Illumina Laboratory Services, Illumina); PubMed 22745237 (cited by Illumina Laboratory Services, Illumina).